The following is an entry in ClinVar:

NM_000358.3(TGFBI):c.1992C>T (p.Ser664=)

Gene: TGFBI (transforming growth factor beta induced; plus strand). Cytogenetic location: 5q31.1.
Variant type: single nucleotide variant.
Coding change: c.1992C>T on transcript NM_000358.3 (MANE Select); coding-DNA position 1992, C replaced by T.
Protein change: p.Ser664=; no amino-acid change (serine 664 retained).
Molecular consequence: synonymous variant.
Genome position (GRCh38, 1-based): chr5:136,062,668, C>T. VCF-style: chr5-136062668-C-T. GRCh37 (hg19) VCF-style: chr5-135398357-C-T.
Identifiers: ClinVar variation 905259 (VCV000905259.8), dbSNP rs199781494, ClinGen allele CA3420624.

ClinVar aggregate classification (germline): Benign/Likely benign. Review status: criteria provided, multiple submitters, no conflicts (2 of 4 stars). 4 submissions from 4 submitters: Benign (1); Likely benign (3). Last evaluated 2024-11-21.

Conditions:
Corneal dystrophy. Identifiers: Orphanet 34533, MedGen C0010036, MONDO:0018102, HP:0001131.

Allele frequency attached by ClinVar (database versions not stated): 1000 Genomes Project 30x 0.00016; 1000 Genomes Project 0.00020; gnomAD exomes 0.00045 and 0.00084; ESP Exome Variant Server 0.00050; ExAC 0.00055; TOPMed 0.00061; gnomAD 0.00062 and 0.00064.
gnomAD v4.1: 1,282 of 1,566,916 alleles (0.082%); highest among the groups gnomAD compares: Admixed American, 0.11%; 2 homozygotes.

Submissions (4):

Blueprint Genetics
Classification: Likely benign. Last evaluated: 2024-11-21. Review status: criteria provided, single submitter. Criteria: ACMG Guidelines, 2015. Collection method: clinical testing. Allele origin: germline.

Labcorp Genetics (formerly Invitae), Labcorp
Classification: Benign. Last evaluated: 2024-02-25. Review status: criteria provided, single submitter. Criteria: Invitae Variant Classification Sherloc (09022015). Collection method: clinical testing. Allele origin: germline.

Illumina Laboratory Services, Illumina
Classification: Likely benign for Corneal dystrophy. Last evaluated: 2018-01-12. Review status: criteria provided, single submitter. Criteria: ICSL Variant Classification Criteria 13 December 2019. Collection method: clinical testing. Allele origin: germline.
Comment: This variant was observed in the ICSL laboratory as part of a predisposition screen in an ostensibly healthy population. It had not been previously curated by ICSL or reported in the Human Gene Mutation Database (HGMD: prior to June 1st, 2018), and was therefore a candidate for classification through an automated scoring system. Utilizing variant allele frequency, disease prevalence and penetrance estimates, and inheritance mode, an automated score was calculated to assess if this variant is too frequent to cause the disease. Based on the score and internal cut-off values, a variant classified as likely benign is not then subjected to further curation. The score for this variant resulted in a classification of likely benign for this disease.

Breakthrough Genomics
Classification: Likely benign. Review status: criteria provided, single submitter. Criteria: ACMG Guidelines, 2015. Collection method: not provided. Allele origin: germline. Inheritance: Autosomal dominant inheritance. Affected: yes.